The following is an entry in ClinVar:

ClinVar aggregate classification (germline): Benign/Likely benign. Review status: criteria provided, multiple submitters, no conflicts (2 of 4 stars). 5 submissions from 5 submitters: Benign (1); Likely benign (4). Last evaluated 2025-11-09.

Conditions:
Cardiovascular phenotype. Identifiers: MedGen CN230736.
Long QT syndrome (LQTS). Identifiers: MedGen C0023976, MeSH D008133, MONDO:0002442. Disease mechanism: loss of function. Inheritance: Various modes of inheritance.

Allele frequency attached by ClinVar (database versions not stated): gnomAD exomes 0.00002 and 0.00007; ExAC 0.00011; ESP Exome Variant Server 0.00023; TOPMed 0.00029; gnomAD 0.00030 and 0.00032.
gnomAD v4.1: 71 of 1,613,910 alleles (0.0044%); highest among the groups gnomAD compares: African/African-American, 0.067%; no homozygotes.

Submissions (5):

Labcorp Genetics (formerly Invitae), Labcorp
Classification: Likely benign for Long QT syndrome. Last evaluated: 2025-11-09. Review status: criteria provided, single submitter. Criteria: Invitae Variant Classification Sherloc (09022015). Collection method: clinical testing. Allele origin: germline.

Blueprint Genetics
Classification: Likely benign. Last evaluated: 2024-11-21. Review status: criteria provided, single submitter. Criteria: ACMG Guidelines, 2015. Collection method: clinical testing. Allele origin: germline.

Women's Health and Genetics/Laboratory Corporation of America, LabCorp
Classification: Benign. Last evaluated: 2022-09-10. Review status: criteria provided, single submitter. Criteria: LabCorp Variant Classification Summary - May 2015. Collection method: clinical testing. Allele origin: germline.

GeneDx
Classification: Likely benign. Last evaluated: 2017-10-19. Review status: criteria provided, single submitter. Criteria: GeneDx Variant Classification (06012015). Collection method: clinical testing. Allele origin: germline. Affected: yes.
Comment: This variant is considered likely benign or benign based on one or more of the following criteria: it is a conservative change, it occurs at a poorly conserved position in the protein, it is predicted to be benign by multiple in silico algorithms, and/or has population frequency not consistent with disease.

Ambry Genetics
Classification: Likely benign for Cardiovascular phenotype. Last evaluated: 2015-11-17. Review status: criteria provided, single submitter. Criteria: Ambry Variant Classification Scheme 2023. Collection method: clinical testing. Allele origin: germline.

NM_001148.6(ANK2):c.8727C>T (p.Pro2909=)

Gene: ANK2 (ankyrin 2; plus strand). Cytogenetic location: 4q26.
Variant type: single nucleotide variant.
Coding change: c.8727C>T on transcript NM_001148.6 (MANE Select); coding-DNA position 8727, C replaced by T.
Protein change: p.Pro2909=; no amino-acid change (proline 2909 retained).
Molecular consequence: synonymous variant. On other transcripts: intron variant (68).
Genome position (GRCh38, 1-based): chr4:113,357,345, C>T. VCF-style: chr4-113357345-C-T. GRCh37 (hg19) VCF-style: chr4-114278501-C-T.
Other names: c.8493C>T, p.Pro2831= (NM_001386142.1); c.5127C>T, p.Pro1709= (NM_001386166.1); c.8868C>T, p.Pro2956= (NM_001386174.1); c.8844C>T, p.Pro2948= (NM_001386175.1); c.4412-3478C>T (NM_001386186.2, NM_001386148.2); c.4214-3478C>T (NM_001354269.3); c.4292-3478C>T (NM_001386187.2); c.4253-3478C>T (NM_001386147.1); and 35 more.
Identifiers: ClinVar variation 264511 (VCV000264511.14), dbSNP rs144821187, ClinGen allele CA3051821.